The following is an entry in ClinVar:

NM_130837.3(OPA1):c.1832T>G (p.Val611Gly)

Genes: OPA1 (OPA1 mitochondrial dynamin like GTPase; plus strand), LOC126806913 (BRD4-independent group 4 enhancer GRCh37_chr3:193364377-193365576; plus strand). Cytogenetic location: 3q29.
Variant type: single nucleotide variant.
Coding change: c.1832T>G on transcript NM_130837.3 (MANE Select); coding-DNA position 1832, T replaced by G.
Protein change: p.Val611Gly; replaces valine 611 with glycine.
Molecular consequence: missense variant.
Genome position (GRCh38, 1-based): chr3:193,647,142, T>G. VCF-style: chr3-193647142-T-G. GRCh37 (hg19) VCF-style: chr3-193364931-T-G.
Other names: c.1298T>G, p.Val433Gly (NM_001354663.2); c.1295T>G, p.Val432Gly (NM_001354664.2); c.1667T>G, p.Val556Gly (NM_015560.3); c.1559T>G, p.Val520Gly (NM_130831.3); c.1613T>G, p.Val538Gly (NM_130832.3); c.1670T>G, p.Val557Gly (NM_130833.3); c.1721T>G, p.Val574Gly (NM_130834.3); c.1724T>G, p.Val575Gly (NM_130835.3); and 1 more; short protein forms V432G, V433G, V520G, V538G, V556G, V557G, V574G, V575G.
Identifiers: ClinVar variation 1723636 (VCV001723636.3), dbSNP rs2474921839, ClinGen allele CA355790521.
Genomic context (GRCh38, chr3:193,647,142, plus strand): 5'-CACACCAAGTGACTACAAGAAATTTAAGCCTTGCAGTATCAGACTGCTTTTGGAAAATGG[T>G]ACGAGAGTCTGTTGAACAACAGGCTGATAGTTTCAAAGGTAAGTTGGATTTTTTAAAGAA-3'
Protein context (NP_570850.2, residues 601-621): LAVSDCFWKM[Val611Gly]RESVEQQADS

ClinVar aggregate classification (germline): Uncertain significance. Review status: criteria provided, multiple submitters, no conflicts (2 of 4 stars). 2 submissions from 2 submitters: Uncertain significance (2). Last evaluated 2023-11-28.

Submissions (2):

Athena Diagnostics
Classification: Uncertain significance. Last evaluated: 2023-11-28. Review status: criteria provided, single submitter. Criteria: Athena Diagnostics Criteria. Collection method: clinical testing. Allele origin: unknown.
Comment: Available data are insufficient to determine the clinical significance of the variant at this time. This variant has not been reported in large, multi-ethnic general populations. Computational tools predict that this variant is damaging.

GeneDx
Classification: Uncertain significance. Last evaluated: 2021-09-30. Review status: criteria provided, single submitter. Criteria: GeneDx Variant Classification Process June 2021. Collection method: clinical testing. Allele origin: germline. Affected: yes.
Comment: Not observed in large population cohorts (gnomAD); In silico analysis, which includes protein predictors and evolutionary conservation, supports a deleterious effect; Has not been previously published as pathogenic or benign to our knowledge